The following is an entry in ClinVar:

ClinVar aggregate classification (germline): Uncertain significance (1 of 4 stars; one submission).

gnomAD v4.1: 42 of 1,614,038 alleles (0.0026%); highest among the groups gnomAD compares: East Asian, 0.0022%; no homozygotes.

Submission:

Labcorp Genetics (formerly Invitae), Labcorp
Classification: Uncertain significance. Last evaluated: 2024-08-05. Review status: criteria provided, single submitter. Criteria: Invitae Variant Classification Sherloc (09022015). Collection method: clinical testing. Allele origin: germline.
Comment: This sequence change replaces asparagine, which is neutral and polar, with serine, which is neutral and polar, at codon 322 of the SHPK protein (p.Asn322Ser). This variant is present in population databases (rs747285111, gnomAD 0.02%). This variant has not been reported in the literature in individuals affected with SHPK-related conditions. An algorithm developed to predict the effect of missense changes on protein structure and function (PolyPhen-2) suggests that this variant is likely to be tolerated. In summary, the available evidence is currently insufficient to determine the role of this variant in disease. Therefore, it has been classified as a Variant of Uncertain Significance.

NM_013276.4(SHPK):c.965A>G (p.Asn322Ser)

Gene: SHPK (sedoheptulokinase; minus strand). Cytogenetic location: 17p13.2.
Variant type: single nucleotide variant.
Coding change: c.965A>G on transcript NM_013276.4 (MANE Select); coding-DNA position 965, A replaced by G.
Protein change: p.Asn322Ser; replaces asparagine 322 with serine.
Molecular consequence: missense variant.
Genome position (GRCh38, 1-based): chr17:3,615,396, T>C on the plus strand (A>G on the coding strand, the complement: SHPK is on the minus strand). VCF-style: chr17-3615396-T-C. GRCh37 (hg19) VCF-style: chr17-3518690-T-C.
Other names: short protein forms N322S.
Identifiers: ClinVar variation 3669920 (VCV003669920.2).